The following is an entry in ClinVar:

ClinVar aggregate classification (germline): Uncertain significance. Review status: criteria provided, single submitter (1 of 4 stars). 2 submissions from 2 submitters: Uncertain significance (1). 1 of the submissions does not count toward it. Last evaluated 2021-08-28.

Conditions:
Nemaline myopathy 2 (NEM2). Also called: Nemaline myopathy 2, autosomal recessive. Identifiers: MedGen C1850569, MONDO:0009725, OMIM 256030.

Submissions (2):

Labcorp Genetics (formerly Invitae), Labcorp
Classification: Uncertain significance for Nemaline myopathy 2. Last evaluated: 2021-08-28. Review status: criteria provided, single submitter. Criteria: Invitae Variant Classification Sherloc (09022015). Collection method: clinical testing. Allele origin: germline.
Comment: This sequence change replaces arginine with tryptophan at codon 228 of the NEB protein (p.Arg228Trp). The arginine residue is highly conserved and there is a moderate physicochemical difference between arginine and tryptophan. This variant is not present in population databases (ExAC no frequency). This variant has not been reported in the literature in individuals affected with NEB-related conditions. Algorithms developed to predict the effect of missense changes on protein structure and function are either unavailable or do not agree on the potential impact of this missense change (SIFT: "Deleterious"; PolyPhen-2: "Not Available"; Align-GVGD: "Class C35"). In summary, the available evidence is currently insufficient to determine the role of this variant in disease. Therefore, it has been classified as a Variant of Uncertain Significance.

Natera, Inc.
Classification: Uncertain significance for Nemaline myopathy type 2. Last evaluated: 2020-07-16. Review status: no assertion criteria provided. Collection method: clinical testing. Allele origin: germline. Not counted in ClinVar's aggregate classification.

NM_001164508.2(NEB):c.682A>T (p.Arg228Trp)

Gene: NEB (nebulin; minus strand). Cytogenetic location: 2q23.3.
Variant type: single nucleotide variant.
Coding change: c.682A>T on transcript NM_001164508.2 (MANE Select); coding-DNA position 682, A replaced by T.
Protein change: p.Arg228Trp; replaces arginine 228 with tryptophan.
Molecular consequence: missense variant.
Genome position (GRCh38, 1-based): chr2:151,723,417, T>A on the plus strand (A>T on the coding strand, the complement: NEB is on the minus strand). VCF-style: chr2-151723417-T-A. GRCh37 (hg19) VCF-style: chr2-152579931-T-A.
Other names: c.682A>T, p.Arg228Trp (NM_001164507.2, NM_001271208.2, NM_004543.5); short protein forms R228W.
Identifiers: ClinVar variation 1053727 (VCV001053727.10), dbSNP rs1363435897, ClinGen allele CA348791115.
Genomic context (GRCh38, chr2:151,723,417, plus strand): 5'-GTGGTGCCACTTGCATTTCACTTACATCACTGAGAGCTTTCTGGGCCTGGGCAACTCTCC[T>A]CAGTTCCGGGCTATCATTATAGGGGTAAAACAAACTTTTGTCTGCTTCCCAGTCTTCAGT-3'
Protein context (NP_001157980.2, residues 218-238): FYPYNDSPEL[Arg228Trp]RVAQAQKALS